The following is an entry in ClinVar:

ClinVar aggregate classification (germline): Likely benign (1 of 4 stars; one submission).

Allele frequency attached by ClinVar (database versions not stated): 1000 Genomes Project 0.00040; 1000 Genomes Project 30x 0.00047; ESP Exome Variant Server 0.00161; TOPMed 0.00185; gnomAD exomes 0.00258; ExAC 0.00262; gnomAD 0.00265.
gnomAD v4.1: 4,113 of 1,613,976 alleles (0.25%); highest among the groups gnomAD compares: Non-Finnish European, 0.28%; 17 homozygotes.

Submission:

CeGaT Center for Human Genetics Tuebingen
Classification: Likely benign. Last evaluated: 2023-03-01. Review status: criteria provided, single submitter. Criteria: CeGaT Center For Human Genetics Tuebingen Variant Classification Criteria Version 2. Collection method: clinical testing. Allele origin: germline. Affected: yes. Observed: 3 variant alleles.
Comment: FRMPD2: BP4, BP7

NM_001018071.4(FRMPD2):c.1482C>T (p.His494=)

Gene: FRMPD2 (FERM and PDZ domain containing 2; minus strand). Cytogenetic location: 10q11.22.
Variant type: single nucleotide variant.
Coding change: c.1482C>T on transcript NM_001018071.4 (MANE Select); coding-DNA position 1482, C replaced by T.
Protein change: p.His494=; no amino-acid change (histidine 494 retained).
Molecular consequence: synonymous variant.
Genome position (GRCh38, 1-based): chr10:48,212,083, G>A on the plus strand (C>T on the coding strand, the complement: FRMPD2 is on the minus strand). VCF-style: chr10-48212083-G-A. GRCh37 (hg19) VCF-style: chr10-49420126-G-A.
Other names: c.1407C>T, p.His469= (NM_001318191.1).
Identifiers: ClinVar variation 2640442 (VCV002640442.24), dbSNP rs145152474, ClinGen allele CA5489995.